The following is an entry in ClinVar:

NM_033380.3(COL4A5):c.1259G>A (p.Gly420Glu)

Gene: COL4A5 (collagen type IV alpha 5 chain; plus strand). Cytogenetic location: Xq22.3.
Variant type: single nucleotide variant.
Coding change: c.1259G>A on transcript NM_033380.3 (MANE Select); coding-DNA position 1259, G replaced by A.
Protein change: p.Gly420Glu; replaces glycine 420 with glutamic acid.
Molecular consequence: missense variant.
Genome position (GRCh38, 1-based): chrX:108,591,151, G>A. VCF-style: chrX-108591151-G-A. GRCh37 (hg19) VCF-style: chrX-107834381-G-A.
Other names: c.1259G>A, p.Gly420Glu (NM_000495.5); short protein forms G420E.
Identifiers: ClinVar variation 4710862 (VCV004710862.1), dbSNP rs281874663.

ClinVar aggregate classification (germline): Pathogenic (1 of 4 stars; one submission).

Submission:

Labcorp Genetics (formerly Invitae), Labcorp
Classification: Pathogenic. Last evaluated: 2025-04-17. Review status: criteria provided, single submitter. Criteria: Invitae Variant Classification Sherloc (09022015). Collection method: clinical testing. Allele origin: germline.
Comment: This sequence change replaces glycine, which is neutral and non-polar, with glutamic acid, which is acidic and polar, at codon 420 of the COL4A5 protein (p.Gly420Glu). This variant is not present in population databases (gnomAD no frequency). This missense change has been observed in individuals with clinical features of Alport syndrome (PMID: 8940267; internal data). Invitae Evidence Modeling of protein sequence and biophysical properties (such as structural, functional, and spatial information, amino acid conservation, physicochemical variation, residue mobility, and thermodynamic stability) indicates that this missense variant is expected to disrupt COL4A5 protein function with a positive predictive value of 95%. This variant disrupts the p.Gly420 amino acid residue in COL4A5. Other variant(s) that disrupt this residue have been determined to be pathogenic (PMID: 8940267, 9848783, 32647767). This suggests that this residue is clinically significant, and that variants that disrupt this residue are likely to be disease-causing. For these reasons, this variant has been classified as Pathogenic.

Literature cited by the submitters: PubMed 8940267; PubMed 9848783; PubMed 32647767.